The following is an entry in ClinVar:

ClinVar aggregate classification (germline): Uncertain significance (1 of 4 stars; one submission).

Conditions:
Inborn genetic diseases. Identifiers: MedGen C0950123, MeSH D030342.

Submission:

Ambry Genetics
Classification: Uncertain significance for Inborn genetic diseases. Last evaluated: 2025-07-31. Review status: criteria provided, single submitter. Criteria: Ambry Variant Classification Scheme 2023. Collection method: clinical testing. Allele origin: germline.
Comment: The p.T113N variant (also known as c.338C>A), located in coding exon 3 of the SBDS gene, results from a C to A substitution at nucleotide position 338. The threonine at codon 113 is replaced by asparagine, an amino acid with similar properties. This amino acid position is conserved. In addition, the in silico prediction for this alteration is inconclusive. Based on the available evidence, the clinical significance of this variant remains unclear.

NM_016038.4(SBDS):c.338C>A (p.Thr113Asn)

Gene: SBDS (SBDS ribosome maturation factor; minus strand). Cytogenetic location: 7q11.21.
Variant type: single nucleotide variant.
Coding change: c.338C>A on transcript NM_016038.4 (MANE Select); coding-DNA position 338, C replaced by A.
Protein change: p.Thr113Asn; replaces threonine 113 with asparagine.
Molecular consequence: missense variant.
Genome position (GRCh38, 1-based): chr7:66,993,338, G>T on the plus strand (C>A on the coding strand, the complement: SBDS is on the minus strand). VCF-style: chr7-66993338-G-T. GRCh37 (hg19) VCF-style: chr7-66458325-G-T.
Other names: short protein forms T113N.
Identifiers: ClinVar variation 4159815 (VCV004159815.1).